The following is an entry in ClinVar:

ClinVar aggregate classification (germline): Uncertain significance. Review status: criteria provided, multiple submitters, no conflicts (2 of 4 stars). 2 submissions from 2 submitters: Uncertain significance (2). Last evaluated 2025-08-18.

Conditions:
Inborn genetic diseases. Identifiers: MedGen C0950123, MeSH D030342.

Allele frequency attached by ClinVar (database versions not stated): gnomAD exomes below 0.00001; ExAC 0.00001; gnomAD 0.00003; TOPMed 0.00005.
gnomAD v4.1: 12 of 1,613,004 alleles (0.00074%); highest among the groups gnomAD compares: Admixed American, 0.012%; no homozygotes.

Submissions (2):

Labcorp Genetics (formerly Invitae), Labcorp
Classification: Uncertain significance. Last evaluated: 2025-08-18. Review status: criteria provided, single submitter. Criteria: Invitae Variant Classification Sherloc (09022015). Collection method: clinical testing. Allele origin: germline.
Comment: This sequence change replaces glutamine, which is neutral and polar, with histidine, which is basic and polar, at codon 467 of the CFB protein (p.Gln467His). This variant is present in population databases (rs771573562, gnomAD 0.006%). This variant has not been reported in the literature in individuals affected with CFB-related conditions. ClinVar contains an entry for this variant (Variation ID: 2370907). Invitae Evidence Modeling of protein sequence and biophysical properties (such as structural, functional, and spatial information, amino acid conservation, physicochemical variation, residue mobility, and thermodynamic stability) indicates that this missense variant is not expected to disrupt CFB protein function with a negative predictive value of 80%. In summary, the available evidence is currently insufficient to determine the role of this variant in disease. Therefore, it has been classified as a Variant of Uncertain Significance.

Ambry Genetics
Classification: Uncertain significance for Inborn genetic diseases. Last evaluated: 2024-10-20. Review status: criteria provided, single submitter. Criteria: Ambry Variant Classification Scheme 2023. Collection method: clinical testing. Allele origin: germline.

NM_001710.6(CFB):c.1401A>T (p.Gln467His)

Gene: CFB (complement factor B; plus strand). Cytogenetic location: 6p21.33.
Variant type: single nucleotide variant.
Coding change: c.1401A>T on transcript NM_001710.6 (MANE Select); coding-DNA position 1401, A replaced by T.
Protein change: p.Gln467His; replaces glutamine 467 with histidine.
Molecular consequence: missense variant.
Genome position (GRCh38, 1-based): chr6:31,949,550, A>T. VCF-style: chr6-31949550-A-T. GRCh37 (hg19) VCF-style: chr6-31917327-A-T.
Other names: short protein forms Q467H.
Identifiers: ClinVar variation 2370907 (VCV002370907.4), dbSNP rs771573562, ClinGen allele CA3728311.